The following is an entry in ClinVar:

ClinVar aggregate classification (germline): Uncertain significance. Review status: criteria provided, multiple submitters, no conflicts (2 of 4 stars). 2 submissions from 2 submitters: Uncertain significance (2). Last evaluated 2026-01-26.

Conditions:
Hereditary cancer-predisposing syndrome. Also called: Tumor predisposition; Neoplastic Syndromes, Hereditary; Hereditary Cancer Syndrome; Hereditary neoplastic syndrome. Identifiers: Orphanet 140162, MedGen C0027672, MeSH D009386, MONDO:0015356.
Multiple endocrine neoplasia, type 1 (MEN1). Also called: MEN I; WERMER SYNDROME; Endocrine adenomatosis multiple; MEN 1; MEA I. Identifiers: Orphanet 652, MedGen C0025267, MeSH D018761, MONDO:0007540, OMIM 131100.

Submissions (2):

Labcorp Genetics (formerly Invitae), Labcorp
Classification: Uncertain significance for Multiple endocrine neoplasia, type 1. Last evaluated: 2026-01-26. Review status: criteria provided, single submitter. Criteria: Invitae Variant Classification Sherloc (09022015). Collection method: clinical testing. Allele origin: germline.
Comment: This sequence change replaces threonine, which is neutral and polar, with asparagine, which is neutral and polar, at codon 594 of the MEN1 protein (p.Thr594Asn). This variant is not present in population databases (gnomAD no frequency). This variant has not been reported in the literature in individuals affected with MEN1-related conditions. ClinVar contains an entry for this variant (Variation ID: 1780002). Invitae Evidence Modeling of protein sequence and biophysical properties (such as structural, functional, and spatial information, amino acid conservation, physicochemical variation, residue mobility, and thermodynamic stability) indicates that this missense variant is not expected to disrupt MEN1 protein function with a negative predictive value of 95%. In summary, the available evidence is currently insufficient to determine the role of this variant in disease. Therefore, it has been classified as a Variant of Uncertain Significance.

Ambry Genetics
Classification: Uncertain significance for Hereditary cancer-predisposing syndrome. Last evaluated: 2025-06-23. Review status: criteria provided, single submitter. Criteria: Ambry Variant Classification Scheme 2023. Collection method: clinical testing. Allele origin: germline.
Comment: The p.T594N variant (also known as c.1781C>A), located in coding exon 9 of the MEN1 gene, results from a C to A substitution at nucleotide position 1781. The threonine at codon 594 is replaced by asparagine, an amino acid with similar properties. This amino acid position is not well conserved in available vertebrate species. In addition, the in silico prediction for this alteration is inconclusive. Based on the available evidence, the clinical significance of this variant remains unclear.

NM_001370259.2(MEN1):c.1781C>A (p.Thr594Asn)

Gene: MEN1 (menin 1; minus strand). Cytogenetic location: 11q13.1.
Variant type: single nucleotide variant.
Coding change: c.1781C>A on transcript NM_001370259.2 (MANE Select); coding-DNA position 1781, C replaced by A.
Protein change: p.Thr594Asn; replaces threonine 594 with asparagine.
Molecular consequence: missense variant.
Genome position (GRCh38, 1-based): chr11:64,804,386, G>T on the plus strand (C>A on the coding strand, the complement: MEN1 is on the minus strand). VCF-style: chr11-64804386-G-T. GRCh37 (hg19) VCF-style: chr11-64571858-G-T.
Other names: c.1796C>A, p.Thr599Asn (NM_000244.4, NM_001407145.1, NM_130800.3 and 4 more transcripts); c.1907C>A, p.Thr636Asn (NM_001370251.2, NM_001407142.1, NM_001407143.1 and 1 more transcripts); c.1781C>A, p.Thr594Asn (NM_001370260.2, NM_001370261.2, NM_001407146.1 and 2 more transcripts); c.1676C>A, p.Thr559Asn (NM_001370262.2, NM_001370263.2, NM_001407148.1 and 1 more transcripts); c.1922C>A, p.Thr641Asn (NM_001407150.1); c.1802C>A, p.Thr601Asn (NM_001407151.1); c.1616C>A, p.Thr539Asn (NM_001407152.1); short protein forms T539N, T559N, T599N, T601N, T636N, T641N, T594N.
Identifiers: ClinVar variation 1780002 (VCV001780002.4), dbSNP rs1592629243, ClinGen allele CA381177322.